The following is an entry in ClinVar:

ClinVar aggregate classification (germline): Uncertain significance. Review status: criteria provided, multiple submitters, no conflicts (2 of 4 stars). 2 submissions from 2 submitters: Uncertain significance (2). Last evaluated 2025-06-26.

Allele frequency attached by ClinVar (database versions not stated): TOPMed 0.00005; gnomAD 0.00015; 1000 Genomes Project 30x 0.00016; 1000 Genomes Project 0.00020.
gnomAD v4.1: 374 of 1,605,848 alleles (0.023%); highest among the groups gnomAD compares: East Asian, 0.83%; 4 homozygotes.

Submissions (2):

Ambry Genetics
Classification: Uncertain significance. Last evaluated: 2025-06-26. Review status: criteria provided, single submitter. Criteria: Ambry Variant Classification Scheme 2023. Collection method: clinical testing. Allele origin: germline.

Labcorp Genetics (formerly Invitae), Labcorp
Classification: Uncertain significance. Last evaluated: 2022-07-30. Review status: criteria provided, single submitter. Criteria: Invitae Variant Classification Sherloc (09022015). Collection method: clinical testing. Allele origin: germline.
Comment: This sequence change replaces alanine, which is neutral and non-polar, with proline, which is neutral and non-polar, at codon 1544 of the PIK3C2A protein (p.Ala1544Pro). This variant is present in population databases (rs199735305, gnomAD 0.09%). This variant has not been reported in the literature in individuals affected with PIK3C2A-related conditions. Experimental studies and prediction algorithms are not available or were not evaluated, and the functional significance of this variant is currently unknown. In summary, the available evidence is currently insufficient to determine the role of this variant in disease. Therefore, it has been classified as a Variant of Uncertain Significance.

NM_002645.4(PIK3C2A):c.4630G>C (p.Ala1544Pro)

Gene: PIK3C2A (phosphatidylinositol-4-phosphate 3-kinase catalytic subunit type 2 alpha; minus strand). Cytogenetic location: 11p15.1.
Variant type: single nucleotide variant.
Coding change: c.4630G>C on transcript NM_002645.4 (MANE Select); coding-DNA position 4630, G replaced by C.
Protein change: p.Ala1544Pro; replaces alanine 1544 with proline.
Molecular consequence: missense variant.
Genome position (GRCh38, 1-based): chr11:17,092,008, C>G on the plus strand (G>C on the coding strand, the complement: PIK3C2A is on the minus strand). VCF-style: chr11-17092008-C-G. GRCh37 (hg19) VCF-style: chr11-17113555-C-G.
Other names: c.4630G>C, p.Ala1544Pro (NM_001321378.2); c.3490G>C, p.Ala1164Pro (NM_001321380.2); c.4462G>C, p.Ala1488Pro (NM_001386870.1); short protein forms A1164P, A1488P, A1544P.
Identifiers: ClinVar variation 2066503 (VCV002066503.3), dbSNP rs199735305, ClinGen allele CA5900493.
Genomic context (GRCh38, chr11:17,092,008, plus strand): 5'-GACTTGCAGATCATGAGTTACCAATAAAGAGAAAAAAAATAATCTCACCTGCAGACCTAG[C>G]TATCCCTTCAGCTTTCTCATCACGAAGTAAAGGGTGGAAGAAAGTACAAACAAGATCACA-3'
Protein context (NP_002636.2, residues 1534-1554): LLRDEKAEGI[Ala1544Pro]RSADAGSFSP